The following is an entry in ClinVar:

NM_015909.4(NBAS):c.3469del (p.His1157fs)

Gene: NBAS (NBAS subunit of NRZ tethering complex; minus strand). Cytogenetic location: 2p24.3.
Variant type: Deletion.
Coding change: c.3469del on transcript NM_015909.4 (MANE Select); coding-DNA position 3469, one base deleted (C; older notation c.3469delC).
Protein change: p.His1157fs; shifts the reading frame from histidine 1157.
Molecular consequence: frameshift variant. On other transcripts: non-coding transcript variant (1).
Genome position (GRCh38, 1-based): chr2:15,379,723, G deleted on the plus strand (C on the coding strand, the reverse complement: NBAS is on the minus strand); the first of 3 consecutive G bases (chr2:15,379,723-15,379,725); deleting any one gives the same sequence. VCF-style (leftmost placement, unchanged base first): chr2-15379722-TG-T. GRCh37 (hg19) VCF-style: chr2-15519846-TG-T.
Other names: short protein forms H1157fs.
Identifiers: ClinVar variation 4735481 (VCV004735481.1).

ClinVar aggregate classification (germline): Pathogenic (1 of 4 stars; one submission).

Submission:

Labcorp Genetics (formerly Invitae), Labcorp
Classification: Pathogenic. Last evaluated: 2026-01-16. Review status: criteria provided, single submitter. Criteria: Invitae Variant Classification Sherloc (09022015). Collection method: clinical testing. Allele origin: germline.
Comment: This sequence change creates a premature translational stop signal (p.His1157Ilefs*39) in the NBAS gene. It is expected to result in an absent or disrupted protein product. Loss-of-function variants in NBAS are known to be pathogenic (PMID: 26073778, 26541327, 27789416, 28031453). This variant is not present in population databases (gnomAD no frequency). This variant has not been reported in the literature in individuals affected with NBAS-related conditions. For these reasons, this variant has been classified as Pathogenic.

Literature cited by the submitters: PubMed 26073778; PubMed 26541327; PubMed 27789416; PubMed 28031453.